The following is an entry in ClinVar:

ClinVar aggregate classification (germline): Uncertain significance (1 of 4 stars; one submission).

Conditions:
Familial cancer of breast. Also called: hereditary breast carcinoma; Hereditary breast cancer; BREAST CANCER, FAMILIAL. Identifiers: Orphanet 227535, MedGen C0346153, MONDO:0016419, OMIM 114480. Disease mechanism: loss of function.

Allele frequency attached by ClinVar (database versions not stated): gnomAD exomes below 0.00001; TOPMed below 0.00001; ExAC 0.00001; gnomAD 0.00001.
gnomAD v4.1: 2 of 1,613,450 alleles (0.00012%); highest among the groups gnomAD compares: East Asian, 0.0022%; no homozygotes.

Submission:

Labcorp Genetics (formerly Invitae), Labcorp
Classification: Uncertain significance for Familial cancer of breast. Last evaluated: 2025-07-07. Review status: criteria provided, single submitter. Criteria: Invitae Variant Classification Sherloc (09022015). Collection method: clinical testing. Allele origin: germline.
Comment: This sequence change replaces serine, which is neutral and polar, with asparagine, which is neutral and polar, at codon 442 of the CHEK2 protein (p.Ser442Asn). This variant is present in population databases (rs779383555, gnomAD 0.006%). This variant has not been reported in the literature in individuals affected with CHEK2-related conditions. ClinVar contains an entry for this variant (Variation ID: 972370). An algorithm developed to predict the effect of missense changes on protein structure and function (PolyPhen-2) suggests that this variant is likely to be tolerated. In summary, the available evidence is currently insufficient to determine the role of this variant in disease. Therefore, it has been classified as a Variant of Uncertain Significance.

NM_007194.4(CHEK2):c.1325G>A (p.Ser442Asn)

Gene: CHEK2 (checkpoint kinase 2; minus strand). Cytogenetic location: 22q12.1.
Variant type: single nucleotide variant.
Coding change: c.1325G>A on transcript NM_007194.4 (MANE Select); coding-DNA position 1325, G replaced by A.
Protein change: p.Ser442Asn; replaces serine 442 with asparagine.
Molecular consequence: missense variant.
Genome position (GRCh38, 1-based): chr22:28,695,177, C>T on the plus strand (G>A on the coding strand, the complement: CHEK2 is on the minus strand). VCF-style: chr22-28695177-C-T. GRCh37 (hg19) VCF-style: chr22-29091165-C-T.
Other names: c.1454G>A, p.Ser485Asn (NM_001005735.3); c.662G>A, p.Ser221Asn (NM_001257387.3); c.1124G>A, p.Ser375Asn (NM_001349956.3); c.1238G>A, p.Ser413Asn (NM_145862.3); short protein forms S375N, S485N, S221N, S413N, S442N.
Identifiers: ClinVar variation 972370 (VCV000972370.10), dbSNP rs779383555, ClinGen allele CA10167679.